The following is an entry in ClinVar:

NM_001283009.2(RTEL1):c.2984A>G (p.Asp995Gly)

Genes: RTEL1 (regulator of telomere elongation helicase 1; plus strand), RTEL1-TNFRSF6B (RTEL1-TNFRSF6B readthrough (NMD candidate); plus strand). Cytogenetic location: 20q13.33.
Variant type: single nucleotide variant.
Coding change: c.2984A>G on transcript NM_001283009.2 (MANE Select); coding-DNA position 2984, A replaced by G.
Protein change: p.Asp995Gly; replaces aspartic acid 995 with glycine.
Molecular consequence: missense variant. On other transcripts: non-coding transcript variant (1).
Genome position (GRCh38, 1-based): chr20:63,693,275, A>G. VCF-style: chr20-63693275-A-G. GRCh37 (hg19) VCF-style: chr20-62324628-A-G.
Other names: c.2315A>G, p.Asp772Gly (NM_001283010.1); c.2984A>G, p.Asp995Gly (NM_016434.4); c.3056A>G, p.Asp1019Gly (NM_032957.5); short protein forms D1019G, D772G, D995G.
Identifiers: ClinVar variation 3948362 (VCV003948362.1).

ClinVar aggregate classification (germline): Uncertain significance (1 of 4 stars; one submission).

Conditions:
Inborn genetic diseases. Identifiers: MedGen C0950123, MeSH D030342.

gnomAD v4.1: 2 of 1,611,642 alleles (0.00012%); highest among the groups gnomAD compares: Admixed American, 0.0017%; no homozygotes.

Submission:

Ambry Genetics
Classification: Uncertain significance for Inborn genetic diseases. Last evaluated: 2025-05-02. Review status: criteria provided, single submitter. Criteria: Ambry Variant Classification Scheme 2023. Collection method: clinical testing. Allele origin: germline.
Comment: The p.D995G variant (also known as c.2984A>G), located in coding exon 29 of the RTEL1 gene, results from an A to G substitution at nucleotide position 2984. The aspartic acid at codon 995 is replaced by glycine, an amino acid with similar properties. This amino acid position is conserved. In addition, this alteration is predicted to be tolerated by in silico analysis. Based on the available evidence, the clinical significance of this variant remains unclear.